The following is an entry in ClinVar:

ClinVar aggregate classification (germline): Uncertain significance. Review status: criteria provided, multiple submitters, no conflicts (2 of 4 stars). 2 submissions from 2 submitters: Uncertain significance (2). Last evaluated 2025-12-24.

Conditions:
Hypertrophic cardiomyopathy 2. Also called: TNNT2-Related Familial Hypertrophic Cardiomyopathy. Identifiers: MedGen C1861864, MONDO:0007266, OMIM 115195.
Dilated cardiomyopathy 1D. Identifiers: Orphanet 154, Orphanet 54260, MedGen C1832243, MONDO:0011095, OMIM 601494.
Cardiomyopathy, familial restrictive, 3. Identifiers: Orphanet 75249, MedGen C2676271, MONDO:0012900, OMIM 612422.

Submissions (2):

Labcorp Genetics (formerly Invitae), Labcorp
Classification: Uncertain significance for Cardiomyopathy, familial restrictive, 3; Hypertrophic cardiomyopathy 2; Dilated cardiomyopathy 1D. Last evaluated: 2025-12-24. Review status: criteria provided, single submitter. Criteria: Invitae Variant Classification Sherloc (09022015). Collection method: clinical testing. Allele origin: germline.
Comment: This sequence change replaces alanine, which is neutral and non-polar, with proline, which is neutral and non-polar, at codon 213 of the TNNT2 protein (p.Ala213Pro). This variant is not present in population databases (gnomAD no frequency). This variant has not been reported in the literature in individuals affected with TNNT2-related conditions. ClinVar contains an entry for this variant (Variation ID: 373778). Invitae Evidence Modeling of protein sequence and biophysical properties (such as structural, functional, and spatial information, amino acid conservation, physicochemical variation, residue mobility, and thermodynamic stability) indicates that this missense variant is not expected to disrupt TNNT2 protein function with a negative predictive value of 80%. In summary, the available evidence is currently insufficient to determine the role of this variant in disease. Therefore, it has been classified as a Variant of Uncertain Significance.

GeneDx
Classification: Uncertain significance. Last evaluated: 2016-12-13. Review status: criteria provided, single submitter. Criteria: GeneDx Variant Classification (06012015). Collection method: clinical testing. Allele origin: germline. Affected: yes.
Comment: A variant of uncertain significance has been identified in the TNNT2 gene. The A213P variant has not been published as a pathogenic variant, nor has it been reported as a benign variant to our knowledge. This variant was not observed in approximately 6,500 individuals of European and African American ancestry in the NHLBI Exome Sequencing Project, indicating it is not a common benign variant in these populations. The A213P variant is a semi-conservative amino acid substitution, which may impact secondary protein structure as these residues differ in some properties. This substitution occurs at a position that is conserved in mammals and in silico analysis predicts this variant is probably damaging to the protein structure/function. However, this variant lacks observation in a significant number of affected individuals, segregation data, and functional evidence, which would further clarify its pathogenicity.

NM_001276345.2(TNNT2):c.667G>C (p.Ala223Pro)

Gene: TNNT2 (troponin T2, cardiac type; minus strand). Cytogenetic location: 1q32.1.
Variant type: single nucleotide variant.
Coding change: c.667G>C on transcript NM_001276345.2 (MANE Select); coding-DNA position 667, G replaced by C.
Protein change: p.Ala223Pro; replaces alanine 223 with proline.
Molecular consequence: missense variant.
Genome position (GRCh38, 1-based): chr1:201,361,965, C>G on the plus strand (G>C on the coding strand, the complement: TNNT2 is on the minus strand). VCF-style: chr1-201361965-C-G. GRCh37 (hg19) VCF-style: chr1-201331093-C-G.
Other names: c.658G>C, p.Ala220Pro (NM_000364.4); c.637G>C, p.Ala213Pro (NM_001001430.3, NM_001276347.2); c.628G>C, p.Ala210Pro (NM_001001431.3); c.619G>C, p.Ala207Pro (NM_001001432.3); c.538G>C, p.Ala180Pro (NM_001276346.2); short protein forms A213P, A220P, A207P, A210P, A223P, A180P.
Identifiers: ClinVar variation 373778 (VCV000373778.2), dbSNP rs1057518606, ClinGen allele CA16042345.